The following is an entry in ClinVar:

ClinVar aggregate classification (germline): Uncertain significance (1 of 4 stars; one submission).

Conditions:
Inborn genetic diseases. Identifiers: MedGen C0950123, MeSH D030342.

Submission:

Ambry Genetics
Classification: Uncertain significance for Inborn genetic diseases. Last evaluated: 2022-01-02. Review status: criteria provided, single submitter. Criteria: Ambry Variant Classification Scheme 2023. Collection method: clinical testing. Allele origin: germline.
Comment: The p.T33I variant (also known as c.98C>T), located in coding exon 1 of the PIK3CA gene, results from a C to T substitution at nucleotide position 98. The threonine at codon 33 is replaced by isoleucine, an amino acid with similar properties. This amino acid position is conserved. In addition, the in silico prediction for this alteration is inconclusive. Since supporting evidence is limited at this time, the clinical significance of this alteration remains unclear.

NM_006218.4(PIK3CA):c.98C>T (p.Thr33Ile)

Gene: PIK3CA (phosphatidylinositol-4,5-bisphosphate 3-kinase catalytic subunit alpha; plus strand). Cytogenetic location: 3q26.32.
Variant type: single nucleotide variant.
Coding change: c.98C>T on transcript NM_006218.4 (MANE Select); coding-DNA position 98, C replaced by T.
Protein change: p.Thr33Ile; replaces threonine 33 with isoleucine.
Molecular consequence: missense variant.
Genome position (GRCh38, 1-based): chr3:179,198,923, C>T. VCF-style: chr3-179198923-C-T. GRCh37 (hg19) VCF-style: chr3-178916711-C-T.
Other names: short protein forms T33I.
Identifiers: ClinVar variation 1768548 (VCV001768548.2), dbSNP rs2108385343, ClinGen allele CA355271068.